The following is an entry in ClinVar:

ClinVar aggregate classification (germline): Likely benign. Review status: criteria provided, multiple submitters, no conflicts (2 of 4 stars). 3 submissions from 3 submitters: Likely benign (3). Last evaluated 2025-08-31.

Conditions:
Tuberous sclerosis syndrome (TSC). Also called: Tuberous Sclerosis Complex; Tuberous sclerosis. Identifiers: Orphanet 805, MedGen C0041341, MONDO:0001734.
Tuberous sclerosis 2 (TSC2). Identifiers: Orphanet 805, MedGen C1860707, MONDO:0013199, OMIM 613254.

Allele frequency attached by ClinVar (database versions not stated): gnomAD exomes below 0.00001; ExAC 0.00001; gnomAD 0.00001; ESP Exome Variant Server 0.00008.
gnomAD v4.1: 3 of 1,613,256 alleles (0.00019%); highest among the groups gnomAD compares: African/African-American, 0.0013%; no homozygotes.

Submissions (3):

Labcorp Genetics (formerly Invitae), Labcorp
Classification: Likely benign for Tuberous sclerosis 2. Last evaluated: 2025-08-31. Review status: criteria provided, single submitter. Criteria: Invitae Variant Classification Sherloc (09022015). Collection method: clinical testing. Allele origin: germline.

Myriad Genetics, Inc.
Classification: Likely benign for Tuberous sclerosis 2. Last evaluated: 2025-05-15. Review status: criteria provided, single submitter. Criteria: Myriad Autosomal Dominant, Autosomal Recessive and X-Linked Classification Criteria (2023). Collection method: clinical testing. Allele origin: unknown.
Comment: This variant is considered likely benign. This variant is intronic and is not expected to impact mRNA splicing.

Color Diagnostics, LLC DBA Color Health
Classification: Likely benign for Tuberous sclerosis syndrome. Last evaluated: 2022-11-18. Review status: criteria provided, single submitter. Criteria: ACMG Guidelines, 2015. Collection method: clinical testing. Allele origin: germline.

NM_000548.5(TSC2):c.1717-10C>T

Gene: TSC2 (TSC complex subunit 2; plus strand). Cytogenetic location: 16p13.3.
Variant type: single nucleotide variant.
Coding change: c.1717-10C>T on transcript NM_000548.5 (MANE Select); 10 bases into the intron before coding-DNA position 1717, C replaced by T.
Molecular consequence: intron variant.
Genome position (GRCh38, 1-based): chr16:2,070,446, C>T. VCF-style: chr16-2070446-C-T. GRCh37 (hg19) VCF-style: chr16-2120447-C-T.
Other names: c.1717-10C>T (NM_001114382.3, NM_021055.3, NM_001370405.1 and 3 more transcripts); c.1606-10C>T (NM_001318827.2); c.1117-10C>T (NM_001318831.2); c.1570-10C>T (NM_001318829.2); c.1750-10C>T (NM_001318832.2).
Identifiers: ClinVar variation 413650 (VCV000413650.12), dbSNP rs377168627, ClinGen allele CA032743.